The following is an entry in ClinVar:

NM_020791.4(TAOK1):c.2927G>T (p.Gly976Val)

Gene: TAOK1 (TAO kinase 1; plus strand). Cytogenetic location: 17q11.2.
Variant type: single nucleotide variant.
Coding change: c.2927G>T on transcript NM_020791.4 (MANE Select); coding-DNA position 2927, G replaced by T.
Protein change: p.Gly976Val; replaces glycine 976 with valine.
Molecular consequence: missense variant.
Genome position (GRCh38, 1-based): chr17:29,542,943, G>T. VCF-style: chr17-29542943-G-T. GRCh37 (hg19) VCF-style: chr17-27869961-G-T.
Other names: c.2483G>T, p.Gly828Val (NM_025142.1); short protein forms G828V, G976V.
Identifiers: ClinVar variation 4076241 (VCV004076241.1).

ClinVar aggregate classification (germline): Uncertain significance (1 of 4 stars; one submission).

Conditions:
Developmental delay with or without intellectual impairment or behavioral abnormalities. Identifiers: MedGen C5562004, MONDO:0859199, OMIM 619575.

Submission:

Laboratorio de Genetica e Diagnostico Molecular, Hospital Israelita Albert Einstein
Classification: Uncertain significance for Developmental delay with or without intellectual impairment or behavioral abnormalities. Last evaluated: 2024-09-20. Review status: criteria provided, single submitter. Criteria: ACMG Guidelines, 2015. Collection method: clinical testing. Allele origin: germline. Affected: yes.
Comment: ACMG classification criteria: PM2 supporting, PP2 supporting